The following is an entry in ClinVar:

NM_001369268.1(ACAN):c.4120G>A (p.Gly1374Arg)

Gene: ACAN (aggrecan; plus strand). Cytogenetic location: 15q26.1.
Variant type: single nucleotide variant.
Coding change: c.4120G>A on transcript NM_001369268.1 (MANE Select); coding-DNA position 4120, G replaced by A.
Protein change: p.Gly1374Arg; replaces glycine 1374 with arginine.
Molecular consequence: missense variant.
Genome position (GRCh38, 1-based): chr15:88,856,705, G>A. VCF-style: chr15-88856705-G-A. GRCh37 (hg19) VCF-style: chr15-89399936-G-A.
Other names: c.4120G>A, p.Gly1374Arg (NM_001135.4, NM_013227.4); c.4120G>A (NM_013227.3); short protein forms G1374R.
Identifiers: ClinVar variation 1206406 (VCV001206406.29), dbSNP rs201302102, ClinGen allele CA274481341.

ClinVar aggregate classification (germline): Conflicting classifications of pathogenicity. Review status: criteria provided, conflicting classifications (1 of 4 stars). 6 submissions from 6 submitters: Uncertain significance (1); Benign (1); Likely benign (2). 2 of the submissions do not count toward it. Last evaluated 2026-06-01.

Conditions:
Inborn genetic diseases. Identifiers: MedGen C0950123, MeSH D030342.

Allele frequency attached by ClinVar (database versions not stated): 1000 Genomes Project 30x 0.00203; gnomAD 0.00503 and 0.00518; gnomAD exomes 0.00744.
gnomAD v4.1: 3,136 of 432,036 alleles (0.73%); highest among the groups gnomAD compares: Middle Eastern, 1.1%; 7 homozygotes.

Submissions (6):

CeGaT Center for Human Genetics Tuebingen
Classification: Benign. Last evaluated: 2026-06-01. Review status: criteria provided, single submitter. Criteria: CeGaT Center For Human Genetics Tuebingen Variant Classification Criteria Version 2. Collection method: clinical testing. Allele origin: germline. Affected: yes. Observed: 9 variant alleles.
Comment: ACAN: PP2, BS1, BS2

Blueprint Genetics
Classification: Likely benign. Last evaluated: 2024-11-27. Review status: criteria provided, single submitter. Criteria: ACMG Guidelines, 2015. Collection method: clinical testing. Allele origin: germline.

Ambry Genetics
Classification: Uncertain significance for Inborn genetic diseases. Last evaluated: 2021-06-22. Review status: criteria provided, single submitter. Criteria: Ambry Variant Classification Scheme 2023. Collection method: clinical testing. Allele origin: germline.

Breakthrough Genomics
Classification: Likely benign. Review status: criteria provided, single submitter. Criteria: ACMG Guidelines, 2015. Collection method: not provided. Allele origin: germline. Inheritance: Autosomal recessive inheritance. Affected: yes.

Clinical Genetics DNA and cytogenetics Diagnostics Lab, Erasmus MC, Erasmus Medical Center
Classification: Likely benign. Review status: no assertion criteria provided. Collection method: clinical testing. Allele origin: germline. Affected: yes. Study: VKGL Data-share Consensus. Not counted in ClinVar's aggregate classification.

Laboratory of Diagnostic Genome Analysis, Leiden University Medical Center (LUMC)
Classification: Likely benign. Review status: no assertion criteria provided. Collection method: clinical testing. Allele origin: germline. Affected: yes. Study: VKGL Data-share Consensus. Not counted in ClinVar's aggregate classification.